The following is an entry in ClinVar:

NM_019842.4(KCNQ5):c.45G>T (p.Gly15=)

Genes: KCNQ5 (potassium voltage-gated channel subfamily Q member 5; plus strand), KCNQ5-DT (KCNQ5 divergent transcript; minus strand), LOC129996711 (ATAC-STARR-seq lymphoblastoid silent region 17329; plus strand). Cytogenetic location: 6q13.
Variant type: single nucleotide variant.
Coding change: c.45G>T on transcript NM_019842.4 (MANE Select); coding-DNA position 45, G replaced by T.
Protein change: p.Gly15=; no amino-acid change (glycine 15 retained).
Molecular consequence: synonymous variant.
Genome position (GRCh38, 1-based): chr6:72,622,234, G>T. VCF-style: chr6-72622234-G-T. GRCh37 (hg19) VCF-style: chr6-73331962-G-T.
Other names: c.45G>T, p.Gly15= (NM_001160130.2, NM_001160132.2, NM_001160133.2 and 1 more transcripts).
Identifiers: ClinVar variation 1582630 (VCV001582630.23), dbSNP rs889723978, ClinGen allele CA141452106.
Genomic context (GRCh38, chr6:72,622,234, plus strand): 5'-TGCCCGTGGTGATGCCATGCCCCGCCACCACGCGGGAGGAGAGGAGGGCGGCGCCGCCGG[G>T]CTCTGGGTGAAGAGCGGCGCAGCGGCGGCGGCGGCGGGCGGGGGGCGCTTGGGCAGCGGC-3'
Protein context (NP_062816.2, residues 5-25): HAGGEEGGAA[Gly15=]LWVKSGAAAA

ClinVar aggregate classification (germline): Likely benign. Review status: criteria provided, multiple submitters, no conflicts (2 of 4 stars). 3 submissions from 3 submitters: Likely benign (3). Last evaluated 2026-01-05.

gnomAD v4.1: 23 of 1,244,076 alleles (0.0018%); highest among the groups gnomAD compares: Middle Eastern, 0.061%; no homozygotes.

Submissions (3):

Labcorp Genetics (formerly Invitae), Labcorp
Classification: Likely benign. Last evaluated: 2026-01-05. Review status: criteria provided, single submitter. Criteria: Invitae Variant Classification Sherloc (09022015). Collection method: clinical testing. Allele origin: germline.

CeGaT Center for Human Genetics Tuebingen
Classification: Likely benign. Last evaluated: 2024-11-01. Review status: criteria provided, single submitter. Criteria: CeGaT Center For Human Genetics Tuebingen Variant Classification Criteria Version 2. Collection method: clinical testing. Allele origin: germline. Affected: yes. Observed: 2 variant alleles.
Comment: KCNQ5: BP4, BP7

Blueprint Genetics
Classification: Likely benign. Last evaluated: 2021-01-25. Review status: criteria provided, single submitter. Criteria: ACMG Guidelines, 2015. Collection method: clinical testing. Allele origin: germline.